The following is an entry in ClinVar:

ClinVar aggregate classification (germline): Likely benign. Review status: criteria provided, multiple submitters, no conflicts (2 of 4 stars). 2 submissions from 2 submitters: Likely benign (2). Last evaluated 2025-11-24.

Conditions:
Papillary renal cell carcinoma type 1 (RCCP1). Also called: Renal adenocarcinoma; Renal cell carcinoma 1; Renal cell carcinoma, somatic; RENAL CELL CARCINOMA, PAPILLARY, 1, SOMATIC. Identifiers: Orphanet 47044, MedGen C1336839, OMIM 605074, HP:0011797.
Renal cell carcinoma. Identifiers: Orphanet 217071, MedGen C0007134, MeSH D002292, MONDO:0005086, HP:0005584.

Allele frequency attached by ClinVar (database versions not stated): gnomAD exomes below 0.00001; ExAC 0.00001; TOPMed 0.00002; ESP Exome Variant Server 0.00008.
gnomAD v4.1: 5 of 1,613,686 alleles (0.00031%); highest among the groups gnomAD compares: African/African-American, 0.004%; no homozygotes.

Submissions (2):

Labcorp Genetics (formerly Invitae), Labcorp
Classification: Likely benign for Renal cell carcinoma. Last evaluated: 2025-11-24. Review status: criteria provided, single submitter. Criteria: Invitae Variant Classification Sherloc (09022015). Collection method: clinical testing. Allele origin: germline.

Myriad Genetics, Inc.
Classification: Likely benign for Papillary renal cell carcinoma type 1. Last evaluated: 2024-11-13. Review status: criteria provided, single submitter. Criteria: Myriad Autosomal Dominant, Autosomal Recessive and X-Linked Classification Criteria (2023). Collection method: clinical testing. Allele origin: unknown.
Comment: This variant is considered likely benign. This variant is intronic and is not expected to impact mRNA splicing.

NM_000245.4(MET):c.3341-14A>C

Gene: MET (MET proto-oncogene, receptor tyrosine kinase; plus strand). Cytogenetic location: 7q31.2.
Variant type: single nucleotide variant.
Coding change: c.3341-14A>C on transcript NM_000245.4 (MANE Select); 14 bases into the intron before coding-DNA position 3341, A replaced by C.
Molecular consequence: intron variant.
Genome position (GRCh38, 1-based): chr7:116,778,762, A>C. VCF-style: chr7-116778762-A-C. GRCh37 (hg19) VCF-style: chr7-116418816-A-C.
Other names: c.3395-14A>C (NM_001127500.3); c.2051-14A>C (NM_001324402.2).
Identifiers: ClinVar variation 2798527 (VCV002798527.4), dbSNP rs374906579, ClinGen allele CA4448711.
Genomic context (GRCh38, chr7:116,778,762, plus strand): 5'-CTTCCTATCTAAATTTGACAAAAGTATTCACTGTTCCATAATGAAGTTAATGTCTCCACC[A>C]CTGGATTTCTCAGGAATCACTGACATAGGAGAAGTTTCCCAATTTCTGACCGAGGGAATC-3'